The following is an entry in ClinVar:

ClinVar aggregate classification (germline): Conflicting classifications of pathogenicity. Review status: criteria provided, conflicting classifications (1 of 4 stars). 3 submissions from 3 submitters: Uncertain significance (2); Likely benign (1). Last evaluated 2025-12-21.

Allele frequency attached by ClinVar (database versions not stated): gnomAD exomes below 0.00001 and 0.00001; ExAC 0.00001; TOPMed 0.00001.
gnomAD v4.1: 9 of 1,614,078 alleles (0.00056%); highest among the groups gnomAD compares: Non-Finnish European, 0.00076%; no homozygotes.

Submissions (3):

Labcorp Genetics (formerly Invitae), Labcorp
Classification: Likely benign. Last evaluated: 2025-12-21. Review status: criteria provided, single submitter. Criteria: Invitae Variant Classification Sherloc (09022015). Collection method: clinical testing. Allele origin: germline.

Women's Health and Genetics/Laboratory Corporation of America, LabCorp
Classification: Uncertain significance. Last evaluated: 2025-11-04. Review status: criteria provided, single submitter. Criteria: LabCorp Variant Classification Summary - May 2015. Collection method: clinical testing. Allele origin: germline.
Comment: Variant summary: MTOR c.3482G>A (p.Arg1161Gln) results in a conservative amino acid change in the encoded protein sequence. Algorithms developed to predict the effect of missense changes on protein structure and function are either unavailable or do not agree on the potential impact of this missense change. The variant allele was found at a frequency of 4e-06 in 251286 control chromosomes. The available data on variant occurrences in the general population are insufficient to allow any conclusion about variant significance. To our knowledge, no occurrence of c.3482G>A in individuals affected with MTOR-related conditions and no experimental evidence demonstrating its impact on protein function have been reported. ClinVar contains an entry for this variant (Variation ID: 933391). Based on the evidence outlined above, the variant was classified as uncertain significance.

GeneDx
Classification: Uncertain significance. Last evaluated: 2023-09-01. Review status: criteria provided, single submitter. Criteria: GeneDx Variant Classification Process June 2021. Collection method: clinical testing. Allele origin: germline. Affected: yes.
Comment: In silico analysis supports that this missense variant has a deleterious effect on protein structure/function; Has not been previously published as pathogenic or benign to our knowledge; This variant is associated with the following publications: (PMID: 25126449, 23619167, 24425785, 37095160)

NM_004958.4(MTOR):c.3482G>A (p.Arg1161Gln)

Gene: MTOR (mechanistic target of rapamycin kinase; minus strand). Cytogenetic location: 1p36.22.
Variant type: single nucleotide variant.
Coding change: c.3482G>A on transcript NM_004958.4 (MANE Select); coding-DNA position 3482, G replaced by A.
Protein change: p.Arg1161Gln; replaces arginine 1161 with glutamine.
Molecular consequence: missense variant.
Genome position (GRCh38, 1-based): chr1:11,212,391, C>T on the plus strand (G>A on the coding strand, the complement: MTOR is on the minus strand). VCF-style: chr1-11212391-C-T. GRCh37 (hg19) VCF-style: chr1-11272448-C-T.
Other names: short protein forms R1161Q.
Identifiers: ClinVar variation 933391 (VCV000933391.9), dbSNP rs777609766, ClinGen allele CA590210.